The following is an entry in ClinVar:

ClinVar aggregate classification (germline): Uncertain significance. Review status: criteria provided, multiple submitters, no conflicts (2 of 4 stars). 2 submissions from 2 submitters: Uncertain significance (2). Last evaluated 2025-09-28.

Conditions:
Maple syrup urine disease, mild variant (MSUDMV). Identifiers: Orphanet 511, MedGen C3554575, MONDO:0014057, OMIM 615135.

Allele frequency attached by ClinVar (database versions not stated): ExAC 0.00001; gnomAD exomes 0.00001; TOPMed 0.00002; gnomAD 0.00003.
gnomAD v4.1: 15 of 1,614,074 alleles (0.00093%); highest among the groups gnomAD compares: East Asian, 0.011%; no homozygotes.

Submissions (2):

Labcorp Genetics (formerly Invitae), Labcorp
Classification: Uncertain significance for Maple syrup urine disease, mild variant. Last evaluated: 2025-09-28. Review status: criteria provided, single submitter. Criteria: Invitae Variant Classification Sherloc (09022015). Collection method: clinical testing. Allele origin: germline.
Comment: This sequence change replaces isoleucine, which is neutral and non-polar, with valine, which is neutral and non-polar, at codon 87 of the PPM1K protein (p.Ile87Val). This variant is present in population databases (rs752799890, gnomAD 0.02%). This variant has not been reported in the literature in individuals affected with PPM1K-related conditions. ClinVar contains an entry for this variant (Variation ID: 2198399). An algorithm developed to predict the effect of missense changes on protein structure and function (PolyPhen-2) suggests that this variant is likely to be tolerated. In summary, the available evidence is currently insufficient to determine the role of this variant in disease. Therefore, it has been classified as a Variant of Uncertain Significance.

Ambry Genetics
Classification: Uncertain significance. Last evaluated: 2024-05-26. Review status: criteria provided, single submitter. Criteria: Ambry Variant Classification Scheme 2023. Collection method: clinical testing. Allele origin: germline.

NM_152542.5(PPM1K):c.259A>G (p.Ile87Val)

Gene: PPM1K (protein phosphatase, Mg2+/Mn2+ dependent 1K; minus strand). Cytogenetic location: 4q22.1.
Variant type: single nucleotide variant.
Coding change: c.259A>G on transcript NM_152542.5 (MANE Select); coding-DNA position 259, A replaced by G.
Protein change: p.Ile87Val; replaces isoleucine 87 with valine.
Molecular consequence: missense variant.
Genome position (GRCh38, 1-based): chr4:88,278,325, T>C on the plus strand (A>G on the coding strand, the complement: PPM1K is on the minus strand). VCF-style: chr4-88278325-T-C. GRCh37 (hg19) VCF-style: chr4-89199477-T-C.
Other names: c.259A>G (NM_152542.3); short protein forms I87V.
Identifiers: ClinVar variation 2198399 (VCV002198399.5), dbSNP rs752799890, ClinGen allele CA3005334.